The following is an entry in ClinVar:

ClinVar aggregate classification (germline): Uncertain significance (1 of 4 stars; one submission).

Conditions:
Isolated microphthalmia 5. Also called: Posterior Microphthalmia with Retinitis Pigmentosa, Foveoschisis, and Optic Disc Drusen. Identifiers: Orphanet 251279, MedGen C1970236, MONDO:0012605, OMIM 611040.

Submission:

Labcorp Genetics (formerly Invitae), Labcorp
Classification: Uncertain significance for Isolated microphthalmia 5. Last evaluated: 2024-07-08. Review status: criteria provided, single submitter. Criteria: Invitae Variant Classification Sherloc (09022015). Collection method: clinical testing. Allele origin: germline.
Comment: This variant, c.346_348del, results in the deletion of 1 amino acid(s) of the MFRP protein (p.Thr116del), but otherwise preserves the integrity of the reading frame. This variant is present in population databases (no rsID available, gnomAD 0.0009%). This variant has not been reported in the literature in individuals affected with MFRP-related conditions. ClinVar contains an entry for this variant (Variation ID: 860977). Experimental studies and prediction algorithms are not available or were not evaluated, and the functional significance of this variant is currently unknown. In summary, the available evidence is currently insufficient to determine the role of this variant in disease. Therefore, it has been classified as a Variant of Uncertain Significance.

NM_031433.4(MFRP):c.337ACC[3] (p.Thr116del)

Genes: C1QTNF5 (C1q and TNF related 5; minus strand), MFRP (membrane frizzled-related protein; minus strand). Cytogenetic location: 11q23.3.
Variant type: Microsatellite.
Coding change: c.337ACC[3] on transcript NM_031433.4 (MANE Select); three copies in a row of the 3-base unit ACC starting at c.337; the reference has four copies in a row; one copy, 3 bases deleted.
Protein change: p.Thr116del; deletes threonine 116.
Molecular consequence: inframe deletion. On other transcripts: 5 prime UTR variant (1).
Genome position (GRCh38, 1-based): chr11:119,345,852-119,345,854, GGT deleted on the plus strand (ACC on the coding strand, the reverse complement: MFRP is on the minus strand); deleting any 3 consecutive bases within chr11:119,345,852-119,345,863 gives the same sequence; the position shown is the placement nearest the transcript's 3' end. VCF-style (leftmost placement, unchanged base first): chr11-119345851-GGGT-G. GRCh37 (hg19) VCF-style: chr11-119216561-GGGT-G.
Other names: c.-2300ACC[3] (NM_015645.5); short protein forms T116del.
Identifiers: ClinVar variation 860977 (VCV000860977.8), dbSNP rs1565295963, ClinGen allele CA602579141.